The following is an entry in ClinVar:

NM_003998.4(NFKB1):c.2378C>G (p.Pro793Arg)

Gene: NFKB1 (nuclear factor kappa B subunit 1; plus strand). Cytogenetic location: 4q24.
Variant type: single nucleotide variant.
Coding change: c.2378C>G on transcript NM_003998.4 (MANE Select); coding-DNA position 2378, C replaced by G.
Protein change: p.Pro793Arg; replaces proline 793 with arginine.
Molecular consequence: missense variant.
Genome position (GRCh38, 1-based): chr4:102,612,069, C>G. VCF-style: chr4-102612069-C-G. GRCh37 (hg19) VCF-style: chr4-103533226-C-G.
Other names: c.2378C>G (NM_003998.3); c.2375C>G, p.Pro792Arg (NM_001165412.2, NM_001319226.2, NM_001382627.1); c.2378C>G, p.Pro793Arg (NM_001382625.1, NM_001382626.1); c.2336C>G, p.Pro779Arg (NM_001382628.1); short protein forms P792R, P793R, P779R.
Identifiers: ClinVar variation 1443335 (VCV001443335.10), dbSNP rs201233299, ClinGen allele CA3026414.

ClinVar aggregate classification (germline): Uncertain significance. Review status: criteria provided, multiple submitters, no conflicts (2 of 4 stars). 4 submissions from 4 submitters: Uncertain significance (4). Last evaluated 2026-05-12.

Conditions:
Immunodeficiency, common variable, 12 (CVID12). Also called: NFKB1 DEFICIENCY; IMMUNODEFICIENCY, COMMON VARIABLE, 12, WITH AUTOIMMUNITY. Identifiers: Orphanet 1572, Orphanet 696874, MedGen C4225277, MONDO:0014697, OMIM 616576.
NFKB1-related disorder. Also called: NFKB1-related condition.

Allele frequency attached by ClinVar (database versions not stated): gnomAD exomes 0.00004 and 0.00012; TOPMed 0.00004; ExAC 0.00002; gnomAD 0.00007.
gnomAD v4.1: 176 of 1,613,906 alleles (0.011%); highest among the groups gnomAD compares: Non-Finnish European, 0.015%; no homozygotes.

Submissions (4):

GeneDx
Classification: Uncertain significance. Last evaluated: 2026-05-12. Review status: criteria provided, single submitter. Criteria: GeneDx Variant Classification Process June 2021. Collection method: clinical testing. Allele origin: germline.
Comment: Reported in a patient referred for genetic testing; however, detailed clinical information was not provided (PMID: 32278790); In silico analysis suggests that this missense variant does not alter protein structure/function; This variant is associated with the following publications: (PMID: 32278790, Campos2026[Preprint])

Labcorp Genetics (formerly Invitae), Labcorp
Classification: Uncertain significance. Last evaluated: 2026-01-19. Review status: criteria provided, single submitter. Criteria: Invitae Variant Classification Sherloc (09022015). Collection method: clinical testing. Allele origin: germline.
Comment: This sequence change replaces proline, which is neutral and non-polar, with arginine, which is basic and polar, at codon 793 of the NFKB1 protein (p.Pro793Arg). This variant is present in population databases (rs201233299, gnomAD 0.007%). This variant has not been reported in the literature in individuals affected with NFKB1-related conditions. ClinVar contains an entry for this variant (Variation ID: 1443335). Invitae Evidence Modeling of protein sequence and biophysical properties (such as structural, functional, and spatial information, amino acid conservation, physicochemical variation, residue mobility, and thermodynamic stability) indicates that this missense variant is not expected to disrupt NFKB1 protein function with a negative predictive value of 80%. In summary, the available evidence is currently insufficient to determine the role of this variant in disease. Therefore, it has been classified as a Variant of Uncertain Significance.

Department of Pathology and Laboratory Medicine, Sinai Health System
Classification: Uncertain significance for Immunodeficiency, common variable, 12. Last evaluated: 2022-11-14. Review status: criteria provided, single submitter. Criteria: ACMG Guidelines, 2015. Collection method: research. Allele origin: germline.

PreventionGenetics, part of Exact Sciences
Classification: Uncertain significance for NFKB1-related condition. Last evaluated: 2022-09-23. Review status: criteria provided, single submitter. Criteria: ACMG Guidelines, 2015. Collection method: clinical testing. Allele origin: germline.
Comment: The NFKB1 c.2378C>G variant is predicted to result in the amino acid substitution p.Pro793Arg. This variant was reported in an individual with NFKB1 error of immunity with immune dysregulation (Lorenzini et al. 2020. PubMed ID: 32278790; Table S1). This variant is reported in 0.0062% of alleles in individuals of European (Non-Finnish) descent in gnomAD. At this time, the clinical significance of this variant is uncertain due to the absence of conclusive functional and genetic evidence.